The following is an entry in ClinVar:

ClinVar aggregate classification (germline): Uncertain significance (1 of 4 stars; one submission).

Submission:

Dasa
Classification: Uncertain significance. Last evaluated: 2025-02-17. Review status: criteria provided, single submitter. Criteria: DASA Assertion Criteria. Collection method: clinical testing. Allele origin: germline.
Comment: NM_001110556.2(FLNA):c.7115C>T (p.Ser2372Leu) is a missense variant that results in the substitution of serine with leucine. This variant is absent from population databases. Computational prediction algorithms are consistent with a deleterious effect. The currently available literature and clinical evidence are not sufficient to establish a definitive association between this variant and the reported condition. Therefore, this variant is classified as a variant of uncertain significance.

NM_001110556.2(FLNA):c.7115C>T (p.Ser2372Leu)

Gene: FLNA (filamin A; minus strand). Cytogenetic location: Xq28.
Variant type: single nucleotide variant.
Coding change: c.7115C>T on transcript NM_001110556.2 (MANE Select); coding-DNA position 7115, C replaced by T.
Protein change: p.Ser2372Leu; replaces serine 2372 with leucine.
Molecular consequence: missense variant.
Genome position (GRCh38, 1-based): chrX:154,350,950, G>A on the plus strand (C>T on the coding strand, the complement: FLNA is on the minus strand). VCF-style: chrX-154350950-G-A. GRCh37 (hg19) VCF-style: chrX-153579318-G-A.
Other names: c.7091C>T, p.Ser2364Leu (NM_001456.4); short protein forms S2364L, S2372L.
Identifiers: ClinVar variation 4882421 (VCV004882421.2).